The following is an entry in ClinVar:

ClinVar aggregate classification (germline): Uncertain significance (1 of 4 stars; one submission).

Conditions:
Hereditary cancer-predisposing syndrome. Also called: Neoplastic Syndromes, Hereditary; Tumor predisposition; Hereditary Cancer Syndrome; Hereditary neoplastic syndrome. Identifiers: Orphanet 140162, MedGen C0027672, MeSH D009386, MONDO:0015356.

gnomAD v4.1: 1 of 1,613,934 alleles (0.000062%); highest among the groups gnomAD compares: South Asian, 0.0011%; no homozygotes.

Submission:

Ambry Genetics
Classification: Uncertain significance for Hereditary cancer-predisposing syndrome. Last evaluated: 2026-05-03. Review status: criteria provided, single submitter. Criteria: Ambry Variant Classification Scheme 2023. Collection method: clinical testing. Allele origin: germline.
Comment: The p.L977P variant (also known as c.2930T>C), located in coding exon 21 of the MSH3 gene, results from a T to C substitution at nucleotide position 2930. The leucine at codon 977 is replaced by proline, an amino acid with similar properties. This amino acid position is conserved. In addition, this alteration is predicted to be deleterious by in silico analysis. Based on the available evidence, the clinical significance of this variant remains unclear.

NM_002439.5(MSH3):c.2930T>C (p.Leu977Pro)

Gene: MSH3 (mutS homolog 3; plus strand). Cytogenetic location: 5q14.1.
Variant type: single nucleotide variant.
Coding change: c.2930T>C on transcript NM_002439.5 (MANE Select); coding-DNA position 2930, T replaced by C.
Protein change: p.Leu977Pro; replaces leucine 977 with proline.
Molecular consequence: missense variant.
Genome position (GRCh38, 1-based): chr5:80,854,246, T>C. VCF-style: chr5-80854246-T-C. GRCh37 (hg19) VCF-style: chr5-80150065-T-C.
Other names: short protein forms L977P.
Identifiers: ClinVar variation 4860346 (VCV004860346.1).